The following is an entry in ClinVar:

ClinVar aggregate classification (germline): Uncertain significance. Review status: criteria provided, multiple submitters, no conflicts (2 of 4 stars). 2 submissions from 2 submitters: Uncertain significance (2). Last evaluated 2024-06-10.

Conditions:
Bardet-Biedl syndrome 5 (BBS5). Identifiers: Orphanet 110, MedGen C3892039, MONDO:0014434, OMIM 615983.
Bardet-Biedl syndrome (BBS). Identifiers: Orphanet 110, MedGen C0752166, MONDO:0015229.

Allele frequency attached by ClinVar (database versions not stated): gnomAD 0.00001.

Submissions (2):

Fulgent Genetics
Classification: Uncertain significance for Bardet-Biedl syndrome 5. Last evaluated: 2024-06-10. Review status: criteria provided, single submitter. Criteria: ACMG Guidelines, 2015. Collection method: clinical testing. Allele origin: germline.

Labcorp Genetics (formerly Invitae), Labcorp
Classification: Uncertain significance for Bardet-Biedl syndrome. Last evaluated: 2022-08-07. Review status: criteria provided, single submitter. Criteria: Invitae Variant Classification Sherloc (09022015). Collection method: clinical testing. Allele origin: germline.
Comment: This sequence change replaces valine, which is neutral and non-polar, with alanine, which is neutral and non-polar, at codon 160 of the BBS5 protein (p.Val160Ala). This variant is present in population databases (no rsID available, gnomAD 0.01%). This variant has not been reported in the literature in individuals affected with BBS5-related conditions. Algorithms developed to predict the effect of missense changes on protein structure and function (SIFT, PolyPhen-2, Align-GVGD) all suggest that this variant is likely to be disruptive. In summary, the available evidence is currently insufficient to determine the role of this variant in disease. Therefore, it has been classified as a Variant of Uncertain Significance.

NM_152384.3(BBS5):c.479T>C (p.Val160Ala)

Gene: BBS5 (Bardet-Biedl syndrome 5; plus strand). Cytogenetic location: 2q31.1.
Variant type: single nucleotide variant.
Coding change: c.479T>C on transcript NM_152384.3 (MANE Select); coding-DNA position 479, T replaced by C.
Protein change: p.Val160Ala; replaces valine 160 with alanine.
Molecular consequence: missense variant.
Genome position (GRCh38, 1-based): chr2:169,492,966, T>C. VCF-style: chr2-169492966-T-C. GRCh37 (hg19) VCF-style: chr2-170349476-T-C.
Other names: short protein forms V160A.
Identifiers: ClinVar variation 1986430 (VCV001986430.2), dbSNP rs1243189875, ClinGen allele CA349164809.
Genomic context (GRCh38, chr2:169,492,966, plus strand): 5'-TTAAATTAAGAAGTGCACTAATTCAGAACAAGCAACTAAGACTGTTGCCACAAGAACATG[T>C]ATATGATAAAATAAATGGAGTTTGGAATTTATCCAGTGATCAGGTATTGTGCAAAGAGCT-3'
Protein context (NP_689597.1, residues 150-170): KQLRLLPQEH[Val160Ala]YDKINGVWNL